The following is an entry in ClinVar:

ClinVar aggregate classification (germline): Conflicting classifications of pathogenicity. Review status: criteria provided, conflicting classifications (1 of 4 stars). 3 submissions from 2 submitters: Uncertain significance (2); Likely benign (1). Last evaluated 2017-04-27.

Conditions:
Asphyxiating thoracic dystrophy 4 (SRTD4). Also called: SHORT-RIB THORACIC DYSPLASIA 4; SHORT-RIB THORACIC DYSPLASIA 4 WITH OR WITHOUT POLYDACTYLY. Identifiers: Orphanet 474, MedGen C3151185, MONDO:0013441, OMIM 613819.
Nephronophthisis 12 (NPHP12). Identifiers: Orphanet 655, MedGen C3151186, MONDO:0013442, OMIM 613820.

Allele frequency attached by ClinVar (database versions not stated): gnomAD 0.00019; 1000 Genomes Project 0.00020; TOPMed 0.00025; 1000 Genomes Project 30x 0.00031; gnomAD exomes 0.00047; ExAC 0.00147.
gnomAD v4.1: 686 of 1,546,450 alleles (0.044%); highest among the groups gnomAD compares: South Asian, 0.23%; 1 homozygote.

Submissions (3):

Illumina Laboratory Services, Illumina
Classification: Uncertain significance for Nephronophthisis 12. Last evaluated: 2017-04-27. Review status: criteria provided, single submitter. Criteria: ICSL Variant Classification Criteria 13 December 2019. Collection method: clinical testing. Allele origin: germline.

Illumina Laboratory Services, Illumina
Classification: Uncertain significance for Asphyxiating thoracic dystrophy 4. Last evaluated: 2017-04-27. Review status: criteria provided, single submitter. Criteria: ICSL Variant Classification Criteria 13 December 2019. Collection method: clinical testing. Allele origin: germline.

GeneDx
Classification: Likely benign. Last evaluated: 2017-04-12. Review status: criteria provided, single submitter. Criteria: GeneDx Variant Classification (06012015). Collection method: clinical testing. Allele origin: germline. Affected: yes.
Comment: This variant is considered likely benign or benign based on one or more of the following criteria: it is a conservative change, it occurs at a poorly conserved position in the protein, it is predicted to be benign by multiple in silico algorithms, and/or has population frequency not consistent with disease.

NM_024753.5(TTC21B):c.-24C>T

Gene: TTC21B (tetratricopeptide repeat domain 21B; minus strand). Cytogenetic location: 2q24.3.
Variant type: single nucleotide variant.
Coding change: c.-24C>T on transcript NM_024753.5 (MANE Select); 24 bases upstream of the start codon, C replaced by T.
Molecular consequence: 5 prime UTR variant.
Genome position (GRCh38, 1-based): chr2:165,953,729, G>A on the plus strand (C>T on the coding strand, the complement: TTC21B is on the minus strand). VCF-style: chr2-165953729-G-A. GRCh37 (hg19) VCF-style: chr2-166810239-G-A.
Identifiers: ClinVar variation 506599 (VCV000506599.5), dbSNP rs554218980, ClinGen allele CA1942606.